The following is an entry in ClinVar:

NM_002137.4(HNRNPA2B1):c.451C>T (p.His151Tyr)

Gene: HNRNPA2B1 (heterogeneous nuclear ribonucleoprotein A2/B1; minus strand). Cytogenetic location: 7p15.2.
Variant type: single nucleotide variant.
Coding change: c.451C>T on transcript NM_002137.4 (MANE Select); coding-DNA position 451, C replaced by T.
Protein change: p.His151Tyr; replaces histidine 151 with tyrosine.
Molecular consequence: missense variant.
Genome position (GRCh38, 1-based): chr7:26,196,831, G>A on the plus strand (C>T on the coding strand, the complement: HNRNPA2B1 is on the minus strand). VCF-style: chr7-26196831-G-A. GRCh37 (hg19) VCF-style: chr7-26236451-G-A.
Other names: c.487C>T, p.His163Tyr (NM_031243.4); short protein forms H151Y, H163Y.
Identifiers: ClinVar variation 1919600 (VCV001919600.5), dbSNP rs2535794347, ClinGen allele CA367080229.

ClinVar aggregate classification (germline): Uncertain significance (1 of 4 stars; one submission).

Conditions:
Inclusion body myopathy with early-onset Paget disease with or without frontotemporal dementia 2 (IBMPFD2). Also called: MULTISYSTEM PROTEINOPATHY 2. Identifiers: MedGen C3809468, MONDO:0014178, OMIM 615422.

Allele frequency attached by ClinVar (database versions not stated): gnomAD exomes below 0.00001.

Submission:

Labcorp Genetics (formerly Invitae), Labcorp
Classification: Uncertain significance for Inclusion body myopathy with early-onset Paget disease with or without frontotemporal dementia 2. Last evaluated: 2022-03-20. Review status: criteria provided, single submitter. Criteria: Invitae Variant Classification Sherloc (09022015). Collection method: clinical testing. Allele origin: germline.
Comment: In summary, the available evidence is currently insufficient to determine the role of this variant in disease. Therefore, it has been classified as a Variant of Uncertain Significance. Algorithms developed to predict the effect of missense changes on protein structure and function are either unavailable or do not agree on the potential impact of this missense change (SIFT: "Deleterious"; PolyPhen-2: "Not Available"; Align-GVGD: "Class C65"). This variant has not been reported in the literature in individuals affected with HNRNPA2B1-related conditions. This variant is not present in population databases (gnomAD no frequency). This sequence change replaces histidine, which is basic and polar, with tyrosine, which is neutral and polar, at codon 163 of the HNRNPA2B1 protein (p.His163Tyr).